The following is an entry in ClinVar:

ClinVar aggregate classification (germline): Uncertain significance (1 of 4 stars; one submission).

Conditions:
Autosomal dominant limb-girdle muscular dystrophy type 1D (DNAJB6) (LGMDD1). Also called: MUSCULAR DYSTROPHY, LIMB-GIRDLE, TYPE 1D; Autosomal dominant limb-girdle muscular dystrophy type 1D; Muscular dystrophy, limb-girdle, autosomal dominant 1; MUSCULAR DYSTROPHY, AUTOSOMAL DOMINANT, WITH RIMMED VACUOLES. Identifiers: Orphanet 34516, MedGen C4721885, MONDO:0021018, OMIM 603511.

Allele frequency attached by ClinVar (database versions not stated): ExAC 0.00009.
gnomAD v4.1: 13 of 1,533,432 alleles (0.00085%); highest among the groups gnomAD compares: South Asian, 0.0083%; no homozygotes.

Submission:

Labcorp Genetics (formerly Invitae), Labcorp
Classification: Uncertain significance for Autosomal dominant limb-girdle muscular dystrophy type 1D (DNAJB6). Last evaluated: 2023-07-25. Review status: criteria provided, single submitter. Criteria: Invitae Variant Classification Sherloc (09022015). Collection method: clinical testing. Allele origin: germline.
Comment: This sequence change replaces arginine, which is basic and polar, with tryptophan, which is neutral and slightly polar, at codon 244 of the DNAJB6 protein (p.Arg244Trp). This variant is present in population databases (rs752973130, gnomAD 0.01%). In summary, the available evidence is currently insufficient to determine the role of this variant in disease. Therefore, it has been classified as a Variant of Uncertain Significance. Advanced modeling of protein sequence and biophysical properties (such as structural, functional, and spatial information, amino acid conservation, physicochemical variation, residue mobility, and thermodynamic stability) performed at Invitae indicates that this missense variant is not expected to disrupt DNAJB6 protein function. This variant has not been reported in the literature in individuals affected with DNAJB6-related conditions.

NM_058246.4(DNAJB6):c.730C>T (p.Arg244Trp)

Gene: DNAJB6 (DnaJ heat shock protein family (Hsp40) member B6; plus strand). Cytogenetic location: 7q36.3.
Variant type: single nucleotide variant.
Coding change: c.730C>T on transcript NM_058246.4 (MANE Select); coding-DNA position 730, C replaced by T.
Protein change: p.Arg244Trp; replaces arginine 244 with tryptophan.
Molecular consequence: missense variant.
Genome position (GRCh38, 1-based): chr7:157,409,833, C>T. VCF-style: chr7-157409833-C-T. GRCh37 (hg19) VCF-style: chr7-157202527-C-T.
Other names: c.385C>T, p.Arg129Trp (NM_001363676.1); short protein forms R129W, R244W.
Identifiers: ClinVar variation 2900348 (VCV002900348.3), dbSNP rs752973130, ClinGen allele CA4590640.
Genomic context (GRCh38, chr7:157,409,833, plus strand): 5'-CTCTCTCCCGCTGTGCCTGCAGGTGTGGCCGACGACGATGCCCTCGCTGAGGAGCGCATG[C>T]GGAGAGGCCAGAACGCCCTGCCAGCCCAGCCTGCCGGCCTCCGCCCGCCGAAGCCGCCCC-3'
Protein context (NP_490647.1, residues 234-254): DDDALAEERM[Arg244Trp]RGQNALPAQP